The following is an entry in ClinVar:

NM_003334.4(UBA1):c.2824G>A (p.Ala942Thr)

Gene: UBA1 (ubiquitin like modifier activating enzyme 1; plus strand). Cytogenetic location: Xp11.3.
Variant type: single nucleotide variant.
Coding change: c.2824G>A on transcript NM_003334.4 (MANE Select); coding-DNA position 2824, G replaced by A.
Protein change: p.Ala942Thr; replaces alanine 942 with threonine.
Molecular consequence: missense variant.
Genome position (GRCh38, 1-based): chrX:47,213,167, G>A. VCF-style: chrX-47213167-G-A. GRCh37 (hg19) VCF-style: chrX-47072566-G-A.
Other names: c.2824G>A, p.Ala942Thr (NM_153280.3); short protein forms A942T.
Identifiers: ClinVar variation 1060249 (VCV001060249.9), dbSNP rs1556794067, ClinGen allele CA412811137.

ClinVar aggregate classification (germline): Uncertain significance (1 of 4 stars; one submission).

Conditions:
Infantile-onset X-linked spinal muscular atrophy. Also called: Spinal Muscular Atrophy, X-Linked Infantile; SPINAL MUSCULAR ATROPHY, X-LINKED LETHAL INFANTILE; AMC, DISTAL, X-LINKED; ARTHROGRYPOSIS, X-LINKED, TYPE I; Spinal muscular atrophy, X-linked 2. Identifiers: Orphanet 1145, MedGen C1844934, MONDO:0010532, OMIM 301830.

Allele frequency attached by ClinVar (database versions not stated): gnomAD exomes below 0.00001 and 0.00001; TOPMed 0.00001.
gnomAD v4.1: 2 of 1,210,712 alleles (0.00017%); highest among the groups gnomAD compares: Non-Finnish European, 0.00022%; no homozygotes.

Submission:

Labcorp Genetics (formerly Invitae), Labcorp
Classification: Uncertain significance for Infantile-onset X-linked spinal muscular atrophy. Last evaluated: 2018-06-15. Review status: criteria provided, single submitter. Criteria: Invitae Variant Classification Sherloc (09022015). Collection method: clinical testing. Allele origin: germline.
Comment: In summary, the available evidence is currently insufficient to determine the role of this variant in disease. Therefore, it has been classified as a Variant of Uncertain Significance. Algorithms developed to predict the effect of missense changes on protein structure and function are either unavailable or do not agree on the potential impact of this missense change (SIFT: "Deleterious"; PolyPhen-2: "Probably Damaging"; Align-GVGD: "Class C0"). This variant has not been reported in the literature in individuals with UBA1-related disease. This variant is not present in population databases (ExAC no frequency). This sequence change replaces alanine with threonine at codon 942 of the UBA1 protein (p.Ala942Thr). The alanine residue is highly conserved and there is a small physicochemical difference between alanine and threonine.